The following is an entry in ClinVar:

ClinVar aggregate classification (germline): Conflicting classifications of pathogenicity. Review status: criteria provided, conflicting classifications (1 of 4 stars). 3 submissions from 3 submitters: Pathogenic (2); Uncertain significance (1). Last evaluated 2025-11-28.

Conditions:
COG6-congenital disorder of glycosylation. Also called: COG6-ongenital disorder of glycosylation; COG6-CGD; CONGENITAL DISORDER OF GLYCOSYLATION, TYPE IIl; CDG IIl. Identifiers: Orphanet 464443, MedGen C3553230, MONDO:0013810, OMIM 614576.
COG6-related disorder.

Allele frequency attached by ClinVar (database versions not stated): gnomAD exomes below 0.00001; TOPMed 0.00001; ExAC 0.00002.

Submissions (3):

Women's Health and Genetics/Laboratory Corporation of America, LabCorp
Classification: Uncertain significance. Last evaluated: 2025-11-28. Review status: criteria provided, single submitter. Criteria: LabCorp Variant Classification Summary - May 2015. Collection method: clinical testing. Allele origin: germline.
Comment: Variant summary: COG6 c.1A>G (p.Met1Val) alters the initiation codon and is predicted to result either in absence of the protein or truncation of the encoded protein due to translation initiation at a downstream codon. No pathogenic or likely pathogenic initiation variants, missense variants, or in-frame deletions upstream of the next in-frame Met53 were identified. The variant allele was found at a frequency of 4.7e-06 in 213312 control chromosomes. c.1A>G has been reported in the literature in at least one compound heterozygous individual affected with Congenital Disorder Of Glycosylation Type 2L (Li_2019). These data do not allow any conclusion about variant significance. To our knowledge, no experimental evidence demonstrating an impact on protein function has been reported. The following publication has been ascertained in the context of this evaluation (PMID: 29709711).ClinVar contains an entry for this variant (Variation ID: 487579). Based on the evidence outlined above, the variant was classified as uncertain significance.

Greenwood Genetic Center Diagnostic Laboratories, Greenwood Genetic Center
Classification: Pathogenic for COG6-related disorder. Last evaluated: 2024-12-12. Review status: criteria provided, single submitter. Criteria: ACMG Guidelines, 2015. Collection method: clinical testing. Allele origin: germline. Affected: yes.
Comment: PVS1, PM2, PM3

Department of Medical Genetics, International Peace Maternity and Child Health Hospital, Shanghai Jiao Tong University School of Medicine
Classification: Pathogenic for COG6-congenital disorder of glycosylation. Last evaluated: 2017-12-20. Review status: criteria provided, single submitter. Criteria: ACMG Guidelines, 2015. Collection method: research. Allele origin: inherited. Inheritance: Autosomal recessive inheritance. Affected: yes. Observed: 1 variant allele, 1 compound heterozygote.

Literature cited by the submitters: PubMed 29709711 (cited by Women's Health and Genetics/Laboratory Corporation of America, LabCorp).

NM_020751.3(COG6):c.1A>G (p.Met1Val)

Gene: COG6 (component of oligomeric golgi complex 6; plus strand). Cytogenetic location: 13q14.11.
Variant type: single nucleotide variant.
Coding change: c.1A>G on transcript NM_020751.3 (MANE Select); coding-DNA position 1, A replaced by G.
Protein change: p.Met1Val; changes the start codon (methionine 1).
Molecular consequence: missense variant, initiator codon variant. On other transcripts: non-coding transcript variant (1).
Genome position (GRCh38, 1-based): chr13:39,655,727, A>G. VCF-style: chr13-39655727-A-G. GRCh37 (hg19) VCF-style: chr13-40229864-A-G.
Other names: c.1A>G, p.Met1Val (NM_001145079.2); short protein forms M1V.
Identifiers: ClinVar variation 487579 (VCV000487579.6), dbSNP rs752232501, ClinGen allele CA6958136.